The following is an entry in ClinVar:

ClinVar aggregate classification (germline): Benign/Likely benign. Review status: criteria provided, multiple submitters, no conflicts (2 of 4 stars). 5 submissions from 5 submitters: Benign (4); Likely benign (1). Last evaluated 2026-05-11.

Conditions:
Deficiency of iodide peroxidase (TDH2A). Also called: Thyroid dyshormonogenesis 2A; HYPOTHYROIDISM, CONGENITAL, DUE TO DYSHORMONOGENESIS, 2A; IODIDE PEROXIDASE DEFICIENCY; THYROID HORMONOGENESIS, GENETIC DEFECT IN, 2A; THYROID PEROXIDASE DEFICIENCY. Identifiers: Orphanet 95716, MedGen C1291299, MONDO:0010133, OMIM 274500.

Allele frequency attached by ClinVar (database versions not stated): ExAC 0.01570; gnomAD exomes 0.01237; 1000 Genomes Project 0.05831; gnomAD 0.04639 and 0.04964; TOPMed 0.05237; ESP Exome Variant Server 0.05582; 1000 Genomes Project 30x 0.06199.
gnomAD v4.1: 14,350 of 1,614,124 alleles (0.89%); highest among the groups gnomAD compares: African/African-American, 16%; 1,085 homozygotes.

Submissions (5):

Women's Health and Genetics/Laboratory Corporation of America, LabCorp
Classification: Likely benign. Last evaluated: 2026-05-11. Review status: criteria provided, single submitter. Criteria: LabCorp Variant Classification Summary - May 2015. Collection method: clinical testing. Allele origin: germline.

Labcorp Genetics (formerly Invitae), Labcorp
Classification: Benign. Last evaluated: 2026-02-02. Review status: criteria provided, single submitter. Criteria: Invitae Variant Classification Sherloc (09022015). Collection method: clinical testing. Allele origin: germline.

GeneDx
Classification: Benign. Last evaluated: 2018-07-20. Review status: criteria provided, single submitter. Criteria: GeneDx Variant Classification Process June 2021. Collection method: clinical testing. Allele origin: germline. Affected: yes.

Illumina Laboratory Services, Illumina
Classification: Benign for Deficiency of iodide peroxidase. Last evaluated: 2018-01-13. Review status: criteria provided, single submitter. Criteria: ICSL Variant Classification Criteria 13 December 2019. Collection method: clinical testing. Allele origin: germline.
Comment: This variant was observed in the ICSL laboratory as part of a predisposition screen in an ostensibly healthy population. It had not been previously curated by ICSL or reported in the Human Gene Mutation Database (HGMD: prior to June 1st, 2018), and was therefore a candidate for classification through an automated scoring system. Utilizing variant allele frequency, disease prevalence and penetrance estimates, and inheritance mode, an automated score was calculated to assess if this variant is too frequent to cause the disease. Based on the score and internal cut-off values, a variant classified as benign is not then subjected to further curation. The score for this variant resulted in a classification of benign for this disease.

Breakthrough Genomics
Classification: Benign. Review status: criteria provided, single submitter. Criteria: ACMG Guidelines, 2015. Collection method: not provided. Allele origin: germline. Inheritance: Autosomal recessive inheritance. Affected: yes.

NM_001206744.2(TPO):c.1852G>A (p.Val618Met)

Genes: LALTOP (lung cancer associated lncRNA targeting TOP2A; minus strand), TPO (thyroid peroxidase; plus strand). Cytogenetic location: 2p25.3.
Variant type: single nucleotide variant.
Coding change: c.1852G>A on transcript NM_001206744.2 (MANE Select); coding-DNA position 1852, G replaced by A.
Protein change: p.Val618Met; replaces valine 618 with methionine.
Molecular consequence: missense variant.
Genome position (GRCh38, 1-based): chr2:1,493,885, G>A. VCF-style: chr2-1493885-G-A. GRCh37 (hg19) VCF-style: chr2-1497657-G-A.
Other names: c.1852G>A, p.Val618Met (NM_000547.6, NM_175721.3); c.1681G>A, p.Val561Met (NM_001206745.2, NM_175719.4); c.1333G>A, p.Val445Met (NM_175722.3); short protein forms V618M, V445M, V561M.
Identifiers: ClinVar variation 331357 (VCV000331357.11), dbSNP rs10189135, ClinGen allele CA1511868.
Genomic context (GRCh38, chr2:1,493,885, plus strand): 5'-TGCGGCCTGCCTCGCCTGGAGACCCCCGCTGACCTGAGCACAGCCATCGCCAGCAGGAGC[G>A]TGGCCGACAAGATCCTGGACTTGTACAAGCATCCTGACAACATCGATGTCTGGCTGGGAG-3'
Protein context (NP_001193673.1, residues 608-628): DLSTAIASRS[Val618Met]ADKILDLYKH